The following is an entry in ClinVar:

ClinVar aggregate classification (germline): Uncertain significance (1 of 4 stars; one submission).

Allele frequency attached by ClinVar (database versions not stated): gnomAD exomes below 0.00001.
gnomAD v4.1: 1 of 1,613,440 alleles (0.000062%); highest among the groups gnomAD compares: Non-Finnish European, 0.000085%; no homozygotes.

Submission:

Labcorp Genetics (formerly Invitae), Labcorp
Classification: Uncertain significance. Last evaluated: 2022-08-08. Review status: criteria provided, single submitter. Criteria: Invitae Variant Classification Sherloc (09022015). Collection method: clinical testing. Allele origin: germline.
Comment: This sequence change replaces aspartic acid, which is acidic and polar, with asparagine, which is neutral and polar, at codon 345 of the TNK2 protein (p.Asp345Asn). This variant is not present in population databases (gnomAD no frequency). This variant has not been reported in the literature in individuals affected with TNK2-related conditions. Algorithms developed to predict the effect of missense changes on protein structure and function are either unavailable or do not agree on the potential impact of this missense change (SIFT: "Deleterious"; PolyPhen-2: "Benign"; Align-GVGD: "Class C0"). In summary, the available evidence is currently insufficient to determine the role of this variant in disease. Therefore, it has been classified as a Variant of Uncertain Significance.

NM_001382273.1(TNK2):c.844G>A (p.Asp282Asn)

Gene: TNK2 (tyrosine kinase non receptor 2; minus strand). Cytogenetic location: 3q29.
Variant type: single nucleotide variant.
Coding change: c.844G>A on transcript NM_001382273.1 (MANE Select); coding-DNA position 844, G replaced by A.
Protein change: p.Asp282Asn; replaces aspartic acid 282 with asparagine.
Molecular consequence: missense variant. On other transcripts: non-coding transcript variant (10).
Genome position (GRCh38, 1-based): chr3:195,882,094, C>T on the plus strand (G>A on the coding strand, the complement: TNK2 is on the minus strand). VCF-style: chr3-195882094-C-T. GRCh37 (hg19) VCF-style: chr3-195608965-C-T.
Other names: c.844G>A, p.Asp282Asn (NM_001387710.1, NM_001387711.1, NM_001387712.1 and 12 more transcripts); c.916G>A, p.Asp306Asn (NM_001387715.1, NM_001010938.2, NM_001382272.1 and 1 more transcripts); c.940G>A, p.Asp314Asn (NM_001308046.2, NM_001382271.1, NM_001382275.1 and 1 more transcripts); short protein forms D282N, D314N, D306N.
Identifiers: ClinVar variation 2046185 (VCV002046185.4), dbSNP rs2475157235, ClinGen allele CA355580496.